The following is an entry in ClinVar:

NM_002474.3(MYH11):c.4083C>A (p.Asn1361Lys)

Genes: MYH11 (myosin heavy chain 11; minus strand), NDE1 (nudE neurodevelopment protein 1; plus strand). Cytogenetic location: 16p13.11.
Variant type: single nucleotide variant.
Coding change: c.4083C>A on transcript NM_002474.3 (MANE Select); coding-DNA position 4083, C replaced by A.
Protein change: p.Asn1361Lys; replaces asparagine 1361 with lysine.
Molecular consequence: missense variant. On other transcripts: 3 prime UTR variant (2).
Genome position (GRCh38, 1-based): chr16:15,724,680, G>T on the plus strand (C>A on the coding strand, the complement: MYH11 is on the minus strand). VCF-style: chr16-15724680-G-T. GRCh37 (hg19) VCF-style: chr16-15818537-G-T.
Other names: c.4104C>A, p.Asn1368Lys (NM_001040113.2, NM_001040114.2); c.4083C>A, p.Asn1361Lys (NM_022844.3); c.*429G>T (NM_001143979.2, NM_017668.3); short protein forms N1361K, N1368K.
Identifiers: ClinVar variation 5025085 (VCV005025085.1).

ClinVar aggregate classification (germline): Uncertain significance (1 of 4 stars; one submission).

Conditions:
Familial thoracic aortic aneurysm and aortic dissection (TAAD). Also called: Thoracic aortic aneurysms and dissections. Identifiers: Orphanet 91387, MedGen C4707243, MONDO:0019625.

gnomAD v4.1: 8 of 1,614,218 alleles (0.0005%); highest among the groups gnomAD compares: Non-Finnish European, 0.00068%; no homozygotes.

Submission:

Ambry Genetics
Classification: Uncertain significance for Familial thoracic aortic aneurysm and aortic dissection. Last evaluated: 2026-07-07. Review status: criteria provided, single submitter. Criteria: Ambry Variant Classification Scheme 2023. Collection method: clinical testing. Allele origin: germline.
Comment: The p.N1361K variant (also known as c.4083C>A), located in coding exon 29 of the MYH11 gene, results from a C to A substitution at nucleotide position 4083. The asparagine at codon 1361 is replaced by lysine, an amino acid with similar properties. This amino acid position is conserved. In addition, this alteration is predicted to be tolerated by in silico analysis. Based on the available evidence, the clinical significance of this variant remains unclear.